The following is an entry in ClinVar:

NM_004100.5(EYA4):c.793G>T (p.Gly265Cys)

Gene: EYA4 (EYA transcriptional coactivator and phosphatase 4; plus strand). Cytogenetic location: 6q23.2.
Variant type: single nucleotide variant.
Coding change: c.793G>T on transcript NM_004100.5 (MANE Select); coding-DNA position 793, G replaced by T.
Protein change: p.Gly265Cys; replaces glycine 265 with cysteine.
Molecular consequence: missense variant.
Genome position (GRCh38, 1-based): chr6:133,464,847, G>T. VCF-style: chr6-133464847-G-T. GRCh37 (hg19) VCF-style: chr6-133785985-G-T.
Other names: c.631G>T, p.Gly211Cys (NM_001301012.2, NM_001370459.1); c.793G>T, p.Gly265Cys (NM_001301013.2, NM_172105.4); c.724G>T, p.Gly242Cys (NM_001370458.1, NM_172103.4); short protein forms G211C, G242C, G265C.
Identifiers: ClinVar variation 3511144 (VCV003511144.1).

ClinVar aggregate classification (germline): Uncertain significance (1 of 4 stars; one submission).

Conditions:
Cardiovascular phenotype. Identifiers: MedGen CN230736.

gnomAD v4.1: 5 of 1,607,460 alleles (0.00031%); highest among the groups gnomAD compares: South Asian, 0.0044%; no homozygotes.

Submission:

Ambry Genetics
Classification: Uncertain significance for Cardiovascular phenotype. Last evaluated: 2024-09-02. Review status: criteria provided, single submitter. Criteria: Ambry Variant Classification Scheme 2023. Collection method: clinical testing. Allele origin: germline.
Comment: The p.G265C variant (also known as c.793G>T), located in coding exon 9 of the EYA4 gene, results from a G to T substitution at nucleotide position 793. The glycine at codon 265 is replaced by cysteine, an amino acid with highly dissimilar properties. This amino acid position is conserved. In addition, this alteration is predicted to be tolerated by in silico analysis. Based on the available evidence, the clinical significance of this variant remains unclear.